The following is an entry in ClinVar:

NM_003476.5(CSRP3):c.159G>C (p.Glu53Asp)

Gene: CSRP3 (cysteine and glycine rich protein 3; minus strand). Cytogenetic location: 11p15.1.
Variant type: single nucleotide variant.
Coding change: c.159G>C on transcript NM_003476.5 (MANE Select); coding-DNA position 159, G replaced by C.
Protein change: p.Glu53Asp; replaces glutamic acid 53 with aspartic acid.
Molecular consequence: missense variant. On other transcripts: intron variant (1).
Genome position (GRCh38, 1-based): chr11:19,188,258, C>G on the plus strand (G>C on the coding strand, the complement: CSRP3 is on the minus strand). VCF-style: chr11-19188258-C-G. GRCh37 (hg19) VCF-style: chr11-19209805-C-G.
Other names: c.113-1910G>C (NM_001369404.1); c.159G>C (NM_003476.3); short protein forms E53D.
Identifiers: ClinVar variation 1444664 (VCV001444664.10), dbSNP rs1253887422, ClinGen allele CA379888361.

ClinVar aggregate classification (germline): Uncertain significance. Review status: criteria provided, multiple submitters, no conflicts (2 of 4 stars). 3 submissions from 3 submitters: Uncertain significance (3). Last evaluated 2025-06-09.

Conditions:
Cardiovascular phenotype. Identifiers: MedGen CN230736.
Hypertrophic cardiomyopathy 12. Identifiers: MedGen C2677491, MONDO:0012804, OMIM 612124.
Dilated cardiomyopathy 1M (CMD1M). Identifiers: Orphanet 154, MedGen C1843808, MONDO:0011840, OMIM 607482.

Allele frequency attached by ClinVar (database versions not stated): gnomAD exomes below 0.00001; TOPMed 0.00001.
gnomAD v4.1: 1 of 1,613,052 alleles (0.000062%); highest among the groups gnomAD compares: Non-Finnish European, 0.000085%; no homozygotes.

Submissions (3):

Ambry Genetics
Classification: Uncertain significance for Cardiovascular phenotype. Last evaluated: 2025-06-09. Review status: criteria provided, single submitter. Criteria: Ambry Variant Classification Scheme 2023. Collection method: clinical testing. Allele origin: germline.
Comment: The p.E53D variant (also known as c.159G>C), located in coding exon 2 of the CSRP3 gene, results from a G to C substitution at nucleotide position 159. The glutamic acid at codon 53 is replaced by aspartic acid, an amino acid with highly similar properties. This amino acid position is conserved. In addition, this alteration is predicted to be tolerated by in silico analysis. Based on the available evidence, the clinical significance of this variant remains unclear.

Labcorp Genetics (formerly Invitae), Labcorp
Classification: Uncertain significance for Hypertrophic cardiomyopathy 12; Dilated cardiomyopathy 1M. Last evaluated: 2023-06-22. Review status: criteria provided, single submitter. Criteria: Invitae Variant Classification Sherloc (09022015). Collection method: clinical testing. Allele origin: germline.
Comment: This sequence change replaces glutamic acid, which is acidic and polar, with aspartic acid, which is acidic and polar, at codon 53 of the CSRP3 protein (p.Glu53Asp). This variant is not present in population databases (gnomAD no frequency). This variant has not been reported in the literature in individuals affected with CSRP3-related conditions. ClinVar contains an entry for this variant (Variation ID: 1444664). Algorithms developed to predict the effect of missense changes on protein structure and function output the following: SIFT: "Not Available"; PolyPhen-2: "Benign"; Align-GVGD: "Not Available". The aspartic acid amino acid residue is found in multiple mammalian species, which suggests that this missense change does not adversely affect protein function. In summary, the available evidence is currently insufficient to determine the role of this variant in disease. Therefore, it has been classified as a Variant of Uncertain Significance.

Fulgent Genetics
Classification: Uncertain significance for Dilated cardiomyopathy 1M; Hypertrophic cardiomyopathy 12. Last evaluated: 2021-08-05. Review status: criteria provided, single submitter. Criteria: ACMG Guidelines, 2015. Collection method: clinical testing. Allele origin: unknown.